The following is an entry in ClinVar:

NM_016648.4(LARP7):c.832A>T (p.Lys278Ter)

Genes: LARP7 (La ribonucleoprotein 7, transcriptional regulator; plus strand), MIR302CHG (miR-302/367 cluster host gene; minus strand). Cytogenetic location: 4q25.
Variant type: single nucleotide variant.
Coding change: c.832A>T on transcript NM_016648.4 (MANE Select); coding-DNA position 832, A replaced by T.
Protein change: p.Lys278Ter; replaces lysine 278 with a stop codon.
Molecular consequence: nonsense.
Genome position (GRCh38, 1-based): chr4:112,647,384, A>T. VCF-style: chr4-112647384-A-T. GRCh37 (hg19) VCF-style: chr4-113568540-A-T.
Other names: NM_016648.4(LARP7):c.832A>T; p.Lys278Ter; c.832A>T, p.Lys278Ter (NM_001267039.4, NM_001370974.1, NM_001370975.1 and 2 more transcripts); c.829A>T, p.Lys277Ter (NM_001370976.1, NM_001370977.1, NM_001370979.1 and 1 more transcripts); c.595A>T, p.Lys199Ter (NM_001370981.1, NM_001370982.1); short protein forms K278*, K199*, K277*.
Identifiers: ClinVar variation 402189 (VCV000402189.3), dbSNP rs1060499762, ClinGen allele CA16609508.

ClinVar aggregate classification (germline): Likely pathogenic. Review status: criteria provided, multiple submitters, no conflicts (2 of 4 stars). 2 submissions from 2 submitters: Likely pathogenic (2). Last evaluated 2023-05-02.

Conditions:
Abnormal brain morphology. Also called: Abnormality of brain morphology. Identifiers: MedGen C4021085, HP:0012443.
Microcephalic primordial dwarfism, Alazami type. Also called: FACIAL DYSMORPHISM, INTELLECTUAL DISABILITY, AND PRIMORDIAL DWARFISM; Alazami syndrome. Identifiers: Orphanet 319671, MedGen C3554439, MONDO:0014031, OMIM 615071.

gnomAD v4.1: 1 of 1,614,102 alleles (0.000062%); highest among the groups gnomAD compares: Non-Finnish European, 0.000085%; no homozygotes.

Submissions (2):

Broad Center for Mendelian Genomics, Broad Institute of MIT and Harvard
Classification: Likely pathogenic for Microcephalic primordial dwarfism, Alazami type. Last evaluated: 2023-05-02. Review status: criteria provided, single submitter. Criteria: ACMG Guidelines, 2015. Collection method: curation. Allele origin: germline. Inheritance: Autosomal recessive inheritance.
Comment: The homozygous p.Lys285Ter variant in LARP7 was identified by our study in two siblings with Alazami syndrome. The p.Lys285Ter variant in LARP7 has been previously reported in two unrelated individuals with Alazami syndrome (PMID: 26539891, PMID: 30426380) and segregated with disease in 2 affected relatives in one family (PMID: 30426380). These two previously reported unrelated individuals were homozygotes, which increases the likelihood that the p.Lys285Ter variant is pathogenic. This variant has also been reported in ClinVar (Variation ID: 402189) and has been interpreted as likely pathogenic by the Lupski Lab (Baylor-Hopkins CMG, Baylor College of Medicine). This variant was absent from large population studies. This nonsense variant leads to a premature termination codon at position 285, which is predicted to lead to a truncated or absent protein. Loss of function of the LARP7 gene is strongly associated to autosomal recessive Alazami syndrome. In summary, although additional studies are required to fully establish its clinical significance, this variant is likely pathogenic for autosomal recessive Alazami syndrome. ACMG/AMP Criteria applied: PVS1_Strong, PM2_Supporting, PM3 (Richards 2015).

Lupski Lab, Baylor-Hopkins CMG, Baylor College of Medicine
Classification: Likely pathogenic for Abnormal brain morphology. Review status: criteria provided, single submitter. Criteria: Karaca et al. (Neuron 2015). Collection method: research. Allele origin: inherited. Inheritance: Autosomal recessive inheritance. Affected: yes.